The following is an entry in ClinVar:

ClinVar aggregate classification (germline): Uncertain significance. Review status: criteria provided, multiple submitters, no conflicts (2 of 4 stars). 3 submissions from 3 submitters: Uncertain significance (3). Last evaluated 2025-09-11.

Conditions:
Cornelia de Lange syndrome 1 (CDLS1). Also called: Brachmann de Lange syndrome; NIPBL-Related Cornelia de Lange Syndrome; TYPUS DEGENERATIVUS AMSTELODAMENSIS. Identifiers: Orphanet 199, MedGen C4551851, MONDO:0007387, OMIM 122470.
NIPBL-related disorder. Also called: NIPBL-related condition.

Allele frequency attached by ClinVar (database versions not stated): gnomAD 0.00004; gnomAD exomes 0.00004; TOPMed 0.00005.

Submissions (3):

Labcorp Genetics (formerly Invitae), Labcorp
Classification: Uncertain significance for Cornelia de Lange syndrome 1. Last evaluated: 2025-09-11. Review status: criteria provided, single submitter. Criteria: Invitae Variant Classification Sherloc (09022015). Collection method: clinical testing. Allele origin: germline.
Comment: This sequence change replaces arginine, which is basic and polar, with threonine, which is neutral and polar, at codon 692 of the NIPBL protein (p.Arg692Thr). This variant is present in population databases (no rsID available, gnomAD 0.003%). This variant has not been reported in the literature in individuals affected with NIPBL-related conditions. ClinVar contains an entry for this variant (Variation ID: 2636863). Invitae Evidence Modeling of protein sequence and biophysical properties (such as structural, functional, and spatial information, amino acid conservation, physicochemical variation, residue mobility, and thermodynamic stability) indicates that this missense variant is not expected to disrupt NIPBL protein function with a negative predictive value of 95%. In summary, the available evidence is currently insufficient to determine the role of this variant in disease. Therefore, it has been classified as a Variant of Uncertain Significance.

Blueprint Genetics
Classification: Uncertain significance. Last evaluated: 2024-08-28. Review status: criteria provided, single submitter. Criteria: ACMG Guidelines, 2015. Collection method: clinical testing. Allele origin: germline.

PreventionGenetics, part of Exact Sciences
Classification: Uncertain significance for NIPBL-related condition. Last evaluated: 2023-06-21. Review status: criteria provided, single submitter. Criteria: ACMG Guidelines, 2015. Collection method: clinical testing. Allele origin: germline.
Comment: The NIPBL c.2075G>C variant is predicted to result in the amino acid substitution p.Arg692Thr. To our knowledge, this variant has not been reported in the literature. This variant is reported in 0.0029% of alleles in individuals of Latino descent in gnomAD. At this time, the clinical significance of this variant is uncertain due to the absence of conclusive functional and genetic evidence.

NM_133433.4(NIPBL):c.2075G>C (p.Arg692Thr)

Gene: NIPBL (NIPBL cohesin loading factor; plus strand). Cytogenetic location: 5p13.2.
Variant type: single nucleotide variant.
Coding change: c.2075G>C on transcript NM_133433.4 (MANE Select); coding-DNA position 2075, G replaced by C.
Protein change: p.Arg692Thr; replaces arginine 692 with threonine.
Molecular consequence: missense variant.
Genome position (GRCh38, 1-based): chr5:36,985,255, G>C. VCF-style: chr5-36985255-G-C. GRCh37 (hg19) VCF-style: chr5-36985357-G-C.
Other names: c.2075G>C, p.Arg692Thr (NM_015384.5); short protein forms R692T.
Identifiers: ClinVar variation 2636863 (VCV002636863.5), dbSNP rs887065403, ClinGen allele CA117044035.
Genomic context (GRCh38, chr5:36,985,255, plus strand): 5'-AACAAAATGAAAATAGACTGTCTGACACAAAACCAAATGACAACAAACAAAATAATGGCA[G>C]ATCAGAAACAACAAAATCAAGGCCTGAAACCCCAAAGCAAAAGGGTGAAAGCCGGCCTGA-3'
Protein context (NP_597677.2, residues 682-702): KPNDNKQNNG[Arg692Thr]SETTKSRPET